The following is an entry in ClinVar:

NM_003906.5(MCM3AP):c.3520G>A (p.Val1174Met)

Gene: MCM3AP (minichromosome maintenance complex component 3 associated protein; minus strand). Cytogenetic location: 21q22.3.
Variant type: single nucleotide variant.
Coding change: c.3520G>A on transcript NM_003906.5 (MANE Select); coding-DNA position 3520, G replaced by A.
Protein change: p.Val1174Met; replaces valine 1174 with methionine.
Molecular consequence: missense variant.
Genome position (GRCh38, 1-based): chr21:46,260,854, C>T on the plus strand (G>A on the coding strand, the complement: MCM3AP is on the minus strand). VCF-style: chr21-46260854-C-T. GRCh37 (hg19) VCF-style: chr21-47680768-C-T.
Other names: short protein forms V1174M.
Identifiers: ClinVar variation 1914691 (VCV001914691.2), dbSNP rs530408965, ClinGen allele CA10076469.
Genomic context (GRCh38, chr21:46,260,854, plus strand): 5'-TCAACTCCTGGGAGCAGGTTTCCCTCACAAACTCCATCATCACGCGTTCCATCAGCTCCA[C>T]GGCCAGGCCCTGGCTCAGCTCACTTAACACCAGCTCTCTCTCTTGTTTCAACCTACAGGG-3'
Protein context (NP_003897.2, residues 1164-1184): VLSELSQGLA[Val1174Met]ELMERVMMEF

ClinVar aggregate classification (germline): Uncertain significance (1 of 4 stars; one submission).

Allele frequency attached by ClinVar (database versions not stated): ExAC 0.00001; 1000 Genomes Project 30x 0.00016; 1000 Genomes Project 0.00020.
gnomAD v4.1: 9 of 1,614,162 alleles (0.00056%); highest among the groups gnomAD compares: East Asian, 0.0022%; no homozygotes.

Submission:

Labcorp Genetics (formerly Invitae), Labcorp
Classification: Uncertain significance. Last evaluated: 2022-04-21. Review status: criteria provided, single submitter. Criteria: Invitae Variant Classification Sherloc (09022015). Collection method: clinical testing. Allele origin: germline.
Comment: This sequence change replaces valine, which is neutral and non-polar, with methionine, which is neutral and non-polar, at codon 1174 of the MCM3AP protein (p.Val1174Met). This variant is present in population databases (rs530408965, gnomAD 0.003%). This variant has not been reported in the literature in individuals affected with MCM3AP-related conditions. Algorithms developed to predict the effect of missense changes on protein structure and function (SIFT, PolyPhen-2, Align-GVGD) all suggest that this variant is likely to be tolerated. In summary, the available evidence is currently insufficient to determine the role of this variant in disease. Therefore, it has been classified as a Variant of Uncertain Significance.